The following is an entry in ClinVar:

NM_004990.4(MARS1):c.842T>G (p.Leu281Arg)

Gene: MARS1 (methionyl-tRNA synthetase 1; plus strand). Cytogenetic location: 12q13.3.
Variant type: single nucleotide variant.
Coding change: c.842T>G on transcript NM_004990.4 (MANE Select); coding-DNA position 842, T replaced by G.
Protein change: p.Leu281Arg; replaces leucine 281 with arginine.
Molecular consequence: missense variant.
Genome position (GRCh38, 1-based): chr12:57,498,228, T>G. VCF-style: chr12-57498228-T-G. GRCh37 (hg19) VCF-style: chr12-57892011-T-G.
Other names: short protein forms L281R.
Identifiers: ClinVar variation 3747867 (VCV003747867.2).
Genomic context (GRCh38, chr12:57,498,228, plus strand): 5'-CTGGAGAAAGGAATGTGCTCATCACCAGTGCCCTCCCTTACGTCAACAATGTCCCCCACC[T>G]TGGGAACATCATTGGTTGTGTGCTCAGTGCCGATGTCTTTGCCAGGTGGAGCCAGCTGCT-3'
Protein context (NP_004981.2, residues 271-291): ALPYVNNVPH[Leu281Arg]GNIIGCVLSA

ClinVar aggregate classification (germline): Uncertain significance (1 of 4 stars; one submission).

Conditions:
Charcot-Marie-Tooth disease axonal type 2U. Also called: CHARCOT-MARIE-TOOTH NEUROPATHY, TYPE 2U; CHARCOT-MARIE-TOOTH DISEASE, AXONAL, AUTOSOMAL DOMINANT, TYPE 2U. Identifiers: Orphanet 397735, MedGen C4084821, MONDO:0014566, OMIM 616280.
Severe early-onset pulmonary alveolar proteinosis due to MARS deficiency. Also called: PULMONARY ALVEOLAR PROTEINOSIS, REUNION ISLAND; Interstitial lung and liver disease. Identifiers: Orphanet 440427, MedGen C4225400, MONDO:0014206, OMIM 615486.

gnomAD v4.1: 4 of 1,614,186 alleles (0.00025%); highest among the groups gnomAD compares: Non-Finnish European, 0.00034%; no homozygotes.

Submission:

Labcorp Genetics (formerly Invitae), Labcorp
Classification: Uncertain significance for Charcot-Marie-Tooth disease axonal type 2U; Severe early-onset pulmonary alveolar proteinosis due to MARS deficiency. Last evaluated: 2024-08-16. Review status: criteria provided, single submitter. Criteria: Invitae Variant Classification Sherloc (09022015). Collection method: clinical testing. Allele origin: germline.
Comment: This sequence change replaces leucine, which is neutral and non-polar, with arginine, which is basic and polar, at codon 281 of the MARS protein (p.Leu281Arg). This variant is not present in population databases (gnomAD no frequency). This variant has not been reported in the literature in individuals affected with MARS-related conditions. An algorithm developed to predict the effect of missense changes on protein structure and function (PolyPhen-2) suggests that this variant is likely to be disruptive. In summary, the available evidence is currently insufficient to determine the role of this variant in disease. Therefore, it has been classified as a Variant of Uncertain Significance.